The following is an entry in ClinVar:

ClinVar aggregate classification (germline): Uncertain significance. Review status: criteria provided, multiple submitters, no conflicts (2 of 4 stars). 2 submissions from 2 submitters: Uncertain significance (2). Last evaluated 2026-08-28.

Conditions:
NYX-related disorder. Also called: NYX-related condition.

Submissions (2):

PreventionGenetics, part of Exact Sciences
Classification: Uncertain significance for NYX-related condition. Last evaluated: 2026-08-28. Review status: criteria provided, single submitter. Criteria: ACMG Guidelines, 2015. Collection method: clinical testing. Allele origin: germline.
Comment: The NYX c.239G>C variant is predicted to result in the amino acid substitution p.Arg80Pro. To our knowledge, this variant has not been reported in the literature or in a large population database (gnomAD), indicating this variant is rare. At this time, the clinical significance of this variant is uncertain due to the absence of conclusive functional and genetic evidence.

Blueprint Genetics
Classification: Uncertain significance. Last evaluated: 2018-11-19. Review status: criteria provided, single submitter. Criteria: ACMG Guidelines, 2015. Collection method: clinical testing. Allele origin: germline.

NM_001378477.3(NYX):c.224G>C (p.Arg75Pro)

Gene: NYX (nyctalopin; plus strand). Cytogenetic location: Xp11.4.
Variant type: single nucleotide variant.
Coding change: c.224G>C on transcript NM_001378477.3 (MANE Select); coding-DNA position 224, G replaced by C.
Protein change: p.Arg75Pro; replaces arginine 75 with proline.
Molecular consequence: missense variant.
Genome position (GRCh38, 1-based): chrX:41,473,692, G>C. VCF-style: chrX-41473692-G-C. GRCh37 (hg19) VCF-style: chrX-41332945-G-C.
Other names: c.224G>C, p.Arg75Pro (NM_022567.3); short protein forms R80P, R75P.
Identifiers: ClinVar variation 867038 (VCV000867038.3), dbSNP rs376550267, ClinGen allele CA412989660.